The following is an entry in ClinVar:

NM_015909.4(NBAS):c.5686G>A (p.Val1896Ile)

Gene: NBAS (NBAS subunit of NRZ tethering complex; minus strand). Cytogenetic location: 2p24.3.
Variant type: single nucleotide variant.
Coding change: c.5686G>A on transcript NM_015909.4 (MANE Select); coding-DNA position 5686, G replaced by A.
Protein change: p.Val1896Ile; replaces valine 1896 with isoleucine.
Molecular consequence: missense variant. On other transcripts: non-coding transcript variant (1).
Genome position (GRCh38, 1-based): chr2:15,275,522, C>T on the plus strand (G>A on the coding strand, the complement: NBAS is on the minus strand). VCF-style: chr2-15275522-C-T. GRCh37 (hg19) VCF-style: chr2-15415646-C-T.
Other names: short protein forms V1896I.
Identifiers: ClinVar variation 2016026 (VCV002016026.3), dbSNP rs2528114400, ClinGen allele CA345882073.

ClinVar aggregate classification (germline): Uncertain significance (1 of 4 stars; one submission).

gnomAD v4.1: 1 of 1,614,058 alleles (0.000062%); no homozygotes.

Submission:

Labcorp Genetics (formerly Invitae), Labcorp
Classification: Uncertain significance. Last evaluated: 2022-07-11. Review status: criteria provided, single submitter. Criteria: Invitae Variant Classification Sherloc (09022015). Collection method: clinical testing. Allele origin: germline.
Comment: This sequence change replaces valine, which is neutral and non-polar, with isoleucine, which is neutral and non-polar, at codon 1896 of the NBAS protein (p.Val1896Ile). This variant is not present in population databases (gnomAD no frequency). This variant has not been reported in the literature in individuals affected with NBAS-related conditions. Algorithms developed to predict the effect of missense changes on protein structure and function are either unavailable or do not agree on the potential impact of this missense change (SIFT: "Deleterious"; PolyPhen-2: "Benign"; Align-GVGD: "Class C25"). In summary, the available evidence is currently insufficient to determine the role of this variant in disease. Therefore, it has been classified as a Variant of Uncertain Significance.